The following is an entry in ClinVar:

ClinVar aggregate classification (germline): Likely pathogenic (1 of 4 stars; one submission).

Conditions:
Retinitis pigmentosa 25 (RP25). Identifiers: Orphanet 791, MedGen C1864446, MONDO:0011272, OMIM 602772.

Submission:

Natera, Inc.
Classification: Likely pathogenic for Retinitis pigmentosa type 25. Last evaluated: 2024-07-19. Review status: criteria provided, single submitter. Criteria: Natera Variant Classification Schema (03/2026). Collection method: clinical testing. Allele origin: germline.
Comment: The c.7567_7568dup variant in EYS is a frameshift variant predicted to shift the reading frame beginning at codon 2524 and leads to a stop codon 3 codons downstream. This variant is expected to result in nonsense mediated decay, truncation, or a dysfunctional protein product. This variant is rare in the general population with a frequency below the threshold expected for the associated phenotype(s). Given the available evidence, this variant is classified as Likely Pathogenic.

NM_001142800.2(EYS):c.7567_7568dup (p.Trp2524fs)

Gene: EYS (EGF-like photoreceptor maintenance factor; minus strand). Cytogenetic location: 6q12.
Variant type: Duplication.
Coding change: c.7567_7568dup on transcript NM_001142800.2 (MANE Select); coding-DNA positions 7567 to 7568, 2 bases duplicated (GG; older notation c.7567_7568dupGG).
Protein change: p.Trp2524fs; shifts the reading frame from tryptophan 2524.
Molecular consequence: frameshift variant.
Genome position (GRCh38, 1-based): chr6:63,789,068-63,789,069, CC duplicated on the plus strand (GG on the coding strand, the reverse complement: EYS is on the minus strand); duplicating any 2 consecutive bases within chr6:63,789,068-63,789,070 gives the same sequence; the c. name uses the placement nearest the transcript's 3' end. VCF-style (leftmost placement, unchanged base first): chr6-63789067-G-GCC. GRCh37 (hg19) VCF-style: chr6-64498960-G-GCC.
Other names: c.7567_7568dup, p.Trp2524fs (NM_001292009.2); short protein forms W2524fs.
Identifiers: ClinVar variation 4814658 (VCV004814658.1).
Genomic context (GRCh38, chr6:63,789,067, plus strand): 5'-AATATACTAGTGCTCTCAGTTTGTGGAAGTGACGAAGGAATGACTCTTTACCTTCAGCCA[G>GCC]CCCTCTTGGAAGAACTTGCCCAGATGAACAGTGTGGACTCCAAGGCTCAGATTGAGGGGC-3'